The following is an entry in ClinVar:

ClinVar aggregate classification (germline): Uncertain significance (1 of 4 stars; one submission).

Conditions:
Ehlers-Danlos syndrome, dermatosparaxis type. Also called: EDS VIIC; Ehlers-Danlos syndrome, type VII, autosomal recessive; Dermatosparaxis. Identifiers: Orphanet 1901, MedGen C2700425, MONDO:0009161, OMIM 225410.

gnomAD v4.1: 3 of 1,611,354 alleles (0.00019%); highest among the groups gnomAD compares: Non-Finnish European, 0.00025%; no homozygotes.

Submission:

Labcorp Genetics (formerly Invitae), Labcorp
Classification: Uncertain significance for Ehlers-Danlos syndrome, dermatosparaxis type. Last evaluated: 2022-02-19. Review status: criteria provided, single submitter. Criteria: Invitae Variant Classification Sherloc (09022015). Collection method: clinical testing. Allele origin: germline.
Comment: This sequence change replaces leucine, which is neutral and non-polar, with phenylalanine, which is neutral and non-polar, at codon 221 of the ADAMTS2 protein (p.Leu221Phe). This variant is present in population databases (rs756807336, gnomAD 0.0009%). This variant has not been reported in the literature in individuals affected with ADAMTS2-related conditions. Algorithms developed to predict the effect of missense changes on protein structure and function (SIFT, PolyPhen-2, Align-GVGD) all suggest that this variant is likely to be tolerated. In summary, the available evidence is currently insufficient to determine the role of this variant in disease. Therefore, it has been classified as a Variant of Uncertain Significance.

NM_014244.5(ADAMTS2):c.661C>T (p.Leu221Phe)

Gene: ADAMTS2 (ADAM metallopeptidase with thrombospondin type 1 motif 2; minus strand). Cytogenetic location: 5q35.3.
Variant type: single nucleotide variant.
Coding change: c.661C>T on transcript NM_014244.5 (MANE Select); coding-DNA position 661, C replaced by T.
Protein change: p.Leu221Phe; replaces leucine 221 with phenylalanine.
Molecular consequence: missense variant.
Genome position (GRCh38, 1-based): chr5:179,272,938, G>A on the plus strand (C>T on the coding strand, the complement: ADAMTS2 is on the minus strand). VCF-style: chr5-179272938-G-A. GRCh37 (hg19) VCF-style: chr5-178699939-G-A.
Other names: c.661C>T, p.Leu221Phe (NM_021599.4); short protein forms L221F.
Identifiers: ClinVar variation 2046949 (VCV002046949.1), dbSNP rs756807336, ClinGen allele CA3596240.